The following is an entry in ClinVar:

ClinVar aggregate classification (germline): Uncertain significance (1 of 4 stars; one submission).

Submission:

Labcorp Genetics (formerly Invitae), Labcorp
Classification: Uncertain significance. Last evaluated: 2022-03-14. Review status: criteria provided, single submitter. Criteria: Invitae Variant Classification Sherloc (09022015). Collection method: clinical testing. Allele origin: germline.
Comment: In summary, the available evidence is currently insufficient to determine the role of this variant in disease. Therefore, it has been classified as a Variant of Uncertain Significance. Algorithms developed to predict the effect of missense changes on protein structure and function output the following: SIFT: "Tolerated"; PolyPhen-2: "Benign"; Align-GVGD: "Class C0". The asparagine amino acid residue is found in multiple mammalian species, which suggests that this missense change does not adversely affect protein function. This variant has not been reported in the literature in individuals affected with NBAS-related conditions. This variant is not present in population databases (gnomAD no frequency). This sequence change replaces serine, which is neutral and polar, with asparagine, which is neutral and polar, at codon 1301 of the NBAS protein (p.Ser1301Asn).

NM_015909.4(NBAS):c.3902G>A (p.Ser1301Asn)

Gene: NBAS (NBAS subunit of NRZ tethering complex; minus strand). Cytogenetic location: 2p24.3.
Variant type: single nucleotide variant.
Coding change: c.3902G>A on transcript NM_015909.4 (MANE Select); coding-DNA position 3902, G replaced by A.
Protein change: p.Ser1301Asn; replaces serine 1301 with asparagine.
Molecular consequence: missense variant. On other transcripts: non-coding transcript variant (1).
Genome position (GRCh38, 1-based): chr2:15,356,332, C>T on the plus strand (G>A on the coding strand, the complement: NBAS is on the minus strand). VCF-style: chr2-15356332-C-T. GRCh37 (hg19) VCF-style: chr2-15496456-C-T.
Other names: short protein forms S1301N.
Identifiers: ClinVar variation 1977406 (VCV001977406.5), dbSNP rs2528600152, ClinGen allele CA345892035.